The following is an entry in ClinVar:

ClinVar aggregate classification (germline): Uncertain significance (1 of 4 stars; one submission).

Allele frequency attached by ClinVar (database versions not stated): gnomAD exomes below 0.00001; ExAC 0.00009.
gnomAD v4.1: 1 of 1,514,996 alleles (0.000066%); highest among the groups gnomAD compares: South Asian, 0.0012%; no homozygotes.

Submission:

Labcorp Genetics (formerly Invitae), Labcorp
Classification: Uncertain significance. Last evaluated: 2022-05-19. Review status: criteria provided, single submitter. Criteria: Invitae Variant Classification Sherloc (09022015). Collection method: clinical testing. Allele origin: germline.
Comment: In summary, the available evidence is currently insufficient to determine the role of this variant in disease. Therefore, it has been classified as a Variant of Uncertain Significance. Algorithms developed to predict the effect of sequence changes on RNA splicing suggest that this variant may create or strengthen a splice site. Algorithms developed to predict the effect of missense changes on protein structure and function are either unavailable or do not agree on the potential impact of this missense change (SIFT: "Tolerated"; PolyPhen-2: "Probably Damaging"; Align-GVGD: "Class C0"). This variant has not been reported in the literature in individuals affected with CDAN1-related conditions. The frequency data for this variant in the population databases is considered unreliable, as metrics indicate poor data quality at this position in the gnomAD database. This sequence change replaces alanine, which is neutral and non-polar, with valine, which is neutral and non-polar, at codon 80 of the CDAN1 protein (p.Ala80Val).

NM_138477.4(CDAN1):c.239C>T (p.Ala80Val)

Genes: CDAN1 (codanin 1; minus strand), LOC130056931 (ATAC-STARR-seq lymphoblastoid silent region 6376; plus strand). Cytogenetic location: 15q15.2.
Variant type: single nucleotide variant.
Coding change: c.239C>T on transcript NM_138477.4 (MANE Select); coding-DNA position 239, C replaced by T.
Protein change: p.Ala80Val; replaces alanine 80 with valine.
Molecular consequence: missense variant.
Genome position (GRCh38, 1-based): chr15:42,736,632, G>A on the plus strand (C>T on the coding strand, the complement: CDAN1 is on the minus strand). VCF-style: chr15-42736632-G-A. GRCh37 (hg19) VCF-style: chr15-43028830-G-A.
Other names: short protein forms A80V.
Identifiers: ClinVar variation 1996421 (VCV001996421.4), dbSNP rs766356240, ClinGen allele CA7516429.